The following is an entry in ClinVar:

NM_005188.3(CBL):c.-127_-125GGC[7]

Genes: CBL (Cbl proto-oncogene; plus strand), FRA11B (fragile site, folic acid type, rare, fra(11)(q23.3); plus strand), LOC130006894 (ATAC-STARR-seq lymphoblastoid silent region 3974; plus strand). Cytogenetic location: 11q23.3.
Variant type: Microsatellite.
Coding change: c.-127_-125GGC[7] on transcript NM_005188.3.
Genome position: GRCh38 VCF-style: chr11-119206289-CCGGCGGCGGCGG-C. GRCh37 (hg19) VCF-style: chr11-119076999-CCGGCGGCGGCGG-C.
Identifiers: ClinVar variation 3770962 (VCV003770962.13).

ClinVar aggregate classification (germline): Likely benign (1 of 4 stars; one submission).

Submission:

CeGaT Center for Human Genetics Tuebingen
Classification: Likely benign. Last evaluated: 2026-07-01. Review status: criteria provided, single submitter. Criteria: CeGaT Center For Human Genetics Tuebingen Variant Classification Criteria Version 2. Collection method: clinical testing. Allele origin: germline. Affected: yes. Observed: 5 variant alleles.
Comment: CBL: BS2